The following is an entry in ClinVar:

ClinVar aggregate classification (germline): Uncertain significance (1 of 4 stars; one submission).

Allele frequency attached by ClinVar (database versions not stated): ExAC 0.00001; gnomAD 0.00002; TOPMed 0.00003.
gnomAD v4.1: 13 of 1,614,064 alleles (0.00081%); highest among the groups gnomAD compares: African/African-American, 0.0013%; no homozygotes.

Submission:

Labcorp Genetics (formerly Invitae), Labcorp
Classification: Uncertain significance. Last evaluated: 2023-09-27. Review status: criteria provided, single submitter. Criteria: Invitae Variant Classification Sherloc (09022015). Collection method: clinical testing. Allele origin: germline.
Comment: In summary, the available evidence is currently insufficient to determine the role of this variant in disease. Therefore, it has been classified as a Variant of Uncertain Significance. Advanced modeling of protein sequence and biophysical properties (such as structural, functional, and spatial information, amino acid conservation, physicochemical variation, residue mobility, and thermodynamic stability) performed at Invitae indicates that this missense variant is not expected to disrupt SRCAP protein function. This sequence change replaces lysine, which is basic and polar, with glutamine, which is neutral and polar, at codon 3116 of the SRCAP protein (p.Lys3116Gln). This variant is present in population databases (rs764279559, gnomAD 0.003%). This variant has not been reported in the literature in individuals affected with SRCAP-related conditions.

NM_006662.3(SRCAP):c.9346A>C (p.Lys3116Gln)

Gene: SRCAP (Snf2 related CREBBP activator protein; plus strand). Cytogenetic location: 16p11.2.
Variant type: single nucleotide variant.
Coding change: c.9346A>C on transcript NM_006662.3 (MANE Select); coding-DNA position 9346, A replaced by C.
Protein change: p.Lys3116Gln; replaces lysine 3116 with glutamine.
Molecular consequence: missense variant.
Genome position (GRCh38, 1-based): chr16:30,739,386, A>C. VCF-style: chr16-30739386-A-C. GRCh37 (hg19) VCF-style: chr16-30750707-A-C.
Other names: short protein forms K3116Q.
Identifiers: ClinVar variation 2912905 (VCV002912905.3), dbSNP rs764279559, ClinGen allele CA8012897.
Genomic context (GRCh38, chr16:30,739,386, plus strand): 5'-TTAGCAGATAGCGGGCCAGGCGGGTTGGAATTGACACCACCTGTGGTCTCACTAACCCCA[A>C]AACTGCGCTCGACCCGGCTGCGTCCAGGGTCTCTAGTCCCCCCACTAGAGACTGAGAAGT-3'
Protein context (NP_006653.2, residues 3106-3126): LTPPVVSLTP[Lys3116Gln]LRSTRLRPGS